The following is an entry in ClinVar:

NM_025099.6(CTC1):c.671G>A (p.Arg224Gln)

Gene: CTC1 (CST telomere replication complex component 1; minus strand). Cytogenetic location: 17p13.1.
Variant type: single nucleotide variant.
Coding change: c.671G>A on transcript NM_025099.6 (MANE Select); coding-DNA position 671, G replaced by A.
Protein change: p.Arg224Gln; replaces arginine 224 with glutamine.
Molecular consequence: missense variant.
Genome position (GRCh38, 1-based): chr17:8,237,496, C>T on the plus strand (G>A on the coding strand, the complement: CTC1 is on the minus strand). VCF-style: chr17-8237496-C-T. GRCh37 (hg19) VCF-style: chr17-8140814-C-T.
Other names: c.671G>A, p.Arg224Gln (NM_001411067.1); short protein forms R224Q.
Identifiers: ClinVar variation 2067135 (VCV002067135.4), dbSNP rs753275597, ClinGen allele CA8372570.
Genomic context (GRCh38, chr17:8,237,496, plus strand): 5'-TAAGCTTTCTGTTTACTTTTCACCAGAGCACTCAATCGAACTAGACTCCCAGCCAGGTTT[C>T]GCTGCACACCTCTGAGCTTGTTTCTAAGAAGGAAGAAAAAGCCCTGTAATCCCAGCTACT-3'
Protein context (NP_079375.3, residues 214-234): RLRNKLRGVQ[Arg224Gln]NLAGSLVRLS

ClinVar aggregate classification (germline): Uncertain significance (1 of 4 stars; one submission).

Conditions:
Dyskeratosis congenita. Identifiers: Orphanet 1775, MedGen C0265965, MONDO:0015780.

Allele frequency attached by ClinVar (database versions not stated): ExAC 0.00001; gnomAD 0.00001; gnomAD exomes 0.00001.
gnomAD v4.1: 13 of 1,613,718 alleles (0.00081%); highest among the groups gnomAD compares: East Asian, 0.0022%; no homozygotes.

Submission:

Labcorp Genetics (formerly Invitae), Labcorp
Classification: Uncertain significance for Dyskeratosis congenita. Last evaluated: 2024-01-10. Review status: criteria provided, single submitter. Criteria: Invitae Variant Classification Sherloc (09022015). Collection method: clinical testing. Allele origin: germline.
Comment: This sequence change replaces arginine, which is basic and polar, with glutamine, which is neutral and polar, at codon 224 of the CTC1 protein (p.Arg224Gln). This variant is present in population databases (rs753275597, gnomAD 0.003%). This variant has not been reported in the literature in individuals affected with CTC1-related conditions. ClinVar contains an entry for this variant (Variation ID: 2067135). Advanced modeling of protein sequence and biophysical properties (such as structural, functional, and spatial information, amino acid conservation, physicochemical variation, residue mobility, and thermodynamic stability) performed at Invitae indicates that this missense variant is not expected to disrupt CTC1 protein function with a negative predictive value of 80%. In summary, the available evidence is currently insufficient to determine the role of this variant in disease. Therefore, it has been classified as a Variant of Uncertain Significance.